The following is an entry in ClinVar:

NM_020949.3(SLC7A14):c.176T>C (p.Ile59Thr)

Genes: SLC7A14 (solute carrier family 7 member 14; minus strand), SLC7A14-AS1 (SLC7A14 antisense RNA 1; plus strand). Cytogenetic location: 3q26.2.
Variant type: single nucleotide variant.
Coding change: c.176T>C on transcript NM_020949.3 (MANE Select); coding-DNA position 176, T replaced by C.
Protein change: p.Ile59Thr; replaces isoleucine 59 with threonine.
Molecular consequence: missense variant.
Genome position (GRCh38, 1-based): chr3:170,526,761, A>G on the plus strand (T>C on the coding strand, the complement: SLC7A14 is on the minus strand). VCF-style: chr3-170526761-A-G. GRCh37 (hg19) VCF-style: chr3-170244550-A-G.
Other names: short protein forms I59T.
Identifiers: ClinVar variation 843648 (VCV000843648.12), dbSNP rs150386315, ClinGen allele CA2701998.

ClinVar aggregate classification (germline): Conflicting classifications of pathogenicity. Review status: criteria provided, conflicting classifications (1 of 4 stars). 3 submissions from 3 submitters: Uncertain significance (2); Likely benign (1). Last evaluated 2026-01-18.

Allele frequency attached by ClinVar (database versions not stated): gnomAD exomes 0.00004 and 0.00009; ExAC 0.00013; 1000 Genomes Project 0.00020; 1000 Genomes Project 30x 0.00031; gnomAD 0.00035 and 0.00038; ESP Exome Variant Server 0.00038; TOPMed 0.00040.
gnomAD v4.1: 105 of 1,614,248 alleles (0.0065%); highest among the groups gnomAD compares: African/African-American, 0.14%; no homozygotes.

Submissions (3):

Labcorp Genetics (formerly Invitae), Labcorp
Classification: Uncertain significance. Last evaluated: 2026-01-18. Review status: criteria provided, single submitter. Criteria: Invitae Variant Classification Sherloc (09022015). Collection method: clinical testing. Allele origin: germline.
Comment: This sequence change replaces isoleucine, which is neutral and non-polar, with threonine, which is neutral and polar, at codon 59 of the SLC7A14 protein (p.Ile59Thr). This variant is present in population databases (rs150386315, gnomAD 0.1%), and has an allele count higher than expected for a pathogenic variant. This variant has not been reported in the literature in individuals affected with SLC7A14-related conditions. ClinVar contains an entry for this variant (Variation ID: 843648). An algorithm developed to predict the effect of missense changes on protein structure and function (PolyPhen-2) suggests that this variant is likely to be tolerated. In summary, the available evidence is currently insufficient to determine the role of this variant in disease. Therefore, it has been classified as a Variant of Uncertain Significance.

Blueprint Genetics
Classification: Likely benign. Last evaluated: 2024-08-06. Review status: criteria provided, single submitter. Criteria: ACMG Guidelines, 2015. Collection method: clinical testing. Allele origin: germline.

Ambry Genetics
Classification: Uncertain significance. Last evaluated: 2023-02-06. Review status: criteria provided, single submitter. Criteria: Ambry Variant Classification Scheme 2023. Collection method: clinical testing. Allele origin: germline.